The following continues an entry in ClinVar:

NM_001540.5(HSPB1):c.250G>C (p.Gly84Arg)

Gene: HSPB1. ClinVar aggregate classification (germline): Pathogenic/Likely pathogenic. Pathogenic (10); Likely pathogenic (3).

Submissions 9 to 14 of 14:

Mayo Clinic Laboratories, Mayo Clinic
Classification: Pathogenic. Last evaluated: 2022-10-04. Review status: criteria provided, single submitter. Criteria: ACMG Guidelines, 2015. Collection method: clinical testing. Allele origin: germline. Observed: 2 variant alleles.
Comment: PP3, PS1, PS3, PS4_moderate

Blueprint Genetics
Classification: Pathogenic for HSPB1-related disorders. Last evaluated: 2021-07-09. Review status: criteria provided, single submitter. Criteria: ACMG Guidelines, 2015. Collection method: clinical testing. Allele origin: germline. Affected: yes. Observed: 1 variant allele.

Ambry Genetics
Classification: Likely pathogenic for Inborn genetic diseases. Last evaluated: 2019-09-03. Review status: criteria provided, single submitter. Criteria: Ambry Variant Classification Scheme 2023. Collection method: clinical testing. Allele origin: germline.
Comment: The p.G84R variant (also known as c.250G>C), located in coding exon 1 of the HSPB1 gene, results from a G to C substitution at nucleotide position 250. The glycine at codon 84 is replaced by arginine, an amino acid with dissimilar properties. This alteration has been reported in multiple patients with neuropathy in both heterozygous and homozygous states and has been functionally studied and shown to result in a defective protein. (Houlden H et al. Neurology, 2008 Nov;71:1660-8; James PA et al. J. Neurol. Neurosurg. Psychiatry, 2008 Apr;79:461-3; Fischer C et al. J. Neurol., 2012 Mar;259:515-23; Nefedova VV et al. Arch. Biochem. Biophys., 2013 Oct;538:16-24; Manganelli F et al. J. Peripher. Nerv. Syst., 2014 Dec;19:292-8; Ho CC et al. Int J Mol Sci, 2017 Apr;18:(4). pii: E770). The same amino acid change has been reported in the literature resulting from a different nucleotide substitution, c.250G>A (Manganelli F et al. J. Peripher. Nerv. Syst., 2014 Dec;19:292-8; Ho CC et al. Int J Mol Sci, 2017 Apr;18:(4). pii: E770). Based on data from gnomAD, the C allele has an overall frequency of approximately 0.0007% (1/147494). This amino acid position is highly conserved in available vertebrate species. In addition, this alteration is predicted to be deleterious by in silico analysis. Based on the majority of available evidence to date, this variant is likely to be pathogenic.

Athena Diagnostics
Classification: Pathogenic. Last evaluated: 2019-03-12. Review status: criteria provided, single submitter. Criteria: Athena Diagnostics Criteria. Collection method: clinical testing. Allele origin: germline.
Comment: The best available variant frequency is uninformative because there are too few occurrences in population data. Found in at least one symptomatic patient. Predicted to have a damaging effect on the protein. Damaging to protein function(s) relevant to disease mechanism. Moderate co-segregation with disease, and data include affected and unaffected individuals from multiple families.

Molecular Genetics Laboratory, London Health Sciences Centre
Classification: Pathogenic for Charcot-Marie-Tooth disease. Review status: criteria provided, single submitter. Criteria: ACMG Guidelines, 2015. Collection method: clinical testing. Allele origin: germline. Affected: yes.

Inherited Neuropathy Consortium
Classification: Uncertain significance for Charcot-Marie-Tooth disease. Review status: no assertion criteria provided. Collection method: literature only. Allele origin: germline. Affected: yes. Not counted in ClinVar's aggregate classification.

Literature cited by the submitters: PubMed 18344398 (cited by 5 submitters); PubMed 18832141 (cited by 4 submitters); PubMed 21892769 (cited by 4 submitters); PubMed 25429913 (cited by 3 submitters); PubMed 23948568 (cited by 4 submitters); PubMed 25220807 (cited by Victorian Clinical Genetics Services, Murdoch Childrens Research Institute); PubMed 27816334 (cited by Molecular Genetics, Royal Melbourne Hospital and Athena Diagnostics); PubMed 28379183 (cited by Ambry Genetics and Athena Diagnostics); PubMed 28797631 (cited by Athena Diagnostics); PubMed 28000086 (cited by Athena Diagnostics).